The following is an entry in ClinVar:

NM_053025.4(MYLK):c.1399G>A (p.Ala467Thr)

Gene: MYLK (myosin light chain kinase; minus strand). Cytogenetic location: 3q21.1.
Variant type: single nucleotide variant.
Coding change: c.1399G>A on transcript NM_053025.4 (MANE Select); coding-DNA position 1399, G replaced by A.
Protein change: p.Ala467Thr; replaces alanine 467 with threonine.
Molecular consequence: missense variant. On other transcripts: intron variant (2).
Genome position (GRCh38, 1-based): chr3:123,733,013, C>T on the plus strand (G>A on the coding strand, the complement: MYLK is on the minus strand). VCF-style: chr3-123733013-C-T. GRCh37 (hg19) VCF-style: chr3-123451860-C-T.
Other names: c.1309+674G>A (NM_053026.4, NM_053028.4); c.1399G>A, p.Ala467Thr (NM_053027.4); c.871G>A, p.Ala291Thr (NM_001321309.2); short protein forms A291T, A467T.
Identifiers: ClinVar variation 1022384 (VCV001022384.8), dbSNP rs1424304318, ClinGen allele CA354238097.
Genomic context (GRCh38, chr3:123,733,013, plus strand): 5'-AGCTGTATGTCCCACTGTCCCTGGTCCGGGCTTTCAGCAGGCAGAGGTAATGGGAGCCAG[C>T]ATCTTCATAAACCTCAATGCTGCCTTCCTGTCTCCTCACGGGGGTGCCTTCCAGGAACCA-3'
Protein context (NP_444253.3, residues 457-477): QEGSIEVYED[Ala467Thr]GSHYLCLLKA

ClinVar aggregate classification (germline): Uncertain significance (1 of 4 stars; one submission).

Conditions:
Aortic aneurysm, familial thoracic 7 (AAT7). Also called: AORTIC DISSECTION, FAMILIAL, WITH OR WITHOUT AORTIC ANEURYSM. Identifiers: MedGen C3151077, MONDO:0013418, OMIM 613780.

Allele frequency attached by ClinVar (database versions not stated): gnomAD exomes 0.00001.
gnomAD v4.1: 3 of 1,614,176 alleles (0.00019%); highest among the groups gnomAD compares: Non-Finnish European, 0.00025%; no homozygotes.

Submission:

Labcorp Genetics (formerly Invitae), Labcorp
Classification: Uncertain significance for Aortic aneurysm, familial thoracic 7. Last evaluated: 2020-09-27. Review status: criteria provided, single submitter. Criteria: Invitae Variant Classification Sherloc (09022015). Collection method: clinical testing. Allele origin: germline.
Comment: In summary, the available evidence is currently insufficient to determine the role of this variant in disease. Therefore, it has been classified as a Variant of Uncertain Significance. Advanced modeling of protein sequence and biophysical properties (such as structural, functional, and spatial information, amino acid conservation, physicochemical variation, residue mobility, and thermodynamic stability) performed at Invitae indicates that this missense variant is not expected to disrupt MYLK protein function. This variant has not been reported in the literature in individuals with MYLK-related conditions. This variant is not present in population databases (ExAC no frequency). This sequence change replaces alanine with threonine at codon 467 of the MYLK protein (p.Ala467Thr). The alanine residue is weakly conserved and there is a small physicochemical difference between alanine and threonine.